The following is an entry in ClinVar:

ClinVar aggregate classification (germline): Uncertain significance (1 of 4 stars; one submission).

gnomAD v4.1: 1 of 1,614,020 alleles (0.000062%); no homozygotes.

Submission:

Ambry Genetics
Classification: Uncertain significance. Last evaluated: 2022-08-22. Review status: criteria provided, single submitter. Criteria: Ambry Variant Classification Scheme 2023. Collection method: clinical testing. Allele origin: germline.
Comment: The p.F641L variant (also known as c.1921T>C), located in coding exon 3 of the ALPK2 gene, results from a T to C substitution at nucleotide position 1921. The phenylalanine at codon 641 is replaced by leucine, an amino acid with highly similar properties. This amino acid position is conserved. In addition, this alteration is predicted to be tolerated by in silico analysis. Since supporting evidence is limited at this time, the clinical significance of this alteration remains unclear.

NM_052947.4(ALPK2):c.1921T>C (p.Phe641Leu)

Gene: ALPK2 (alpha kinase 2; minus strand). Cytogenetic location: 18q21.31.
Variant type: single nucleotide variant.
Coding change: c.1921T>C on transcript NM_052947.4 (MANE Select); coding-DNA position 1921, T replaced by C.
Protein change: p.Phe641Leu; replaces phenylalanine 641 with leucine.
Molecular consequence: missense variant.
Genome position (GRCh38, 1-based): chr18:58,578,855, A>G on the plus strand (T>C on the coding strand, the complement: ALPK2 is on the minus strand). VCF-style: chr18-58578855-A-G. GRCh37 (hg19) VCF-style: chr18-56246087-A-G.
Other names: short protein forms F641L.
Identifiers: ClinVar variation 1782697 (VCV001782697.2), dbSNP rs2518898439, ClinGen allele CA402559482.